The following continues an entry in ClinVar:

NM_017946.4(FKBP14):c.362dup (p.Glu122fs)

ClinVar aggregate classification (germline): Pathogenic/Likely pathogenic. Pathogenic (26); Likely pathogenic (2).

Submissions 14 to 36 of 36:

Laboratorio de Genetica e Diagnostico Molecular, Hospital Israelita Albert Einstein
Classification: Pathogenic for Ehlers-Danlos syndrome, kyphoscoliotic type, 2. Last evaluated: 2023-08-25. Review status: criteria provided, single submitter. Criteria: ACMG Guidelines, 2015. Collection method: clinical testing. Allele origin: germline. Affected: yes.
Comment: ACMG classification criteria: PVS1 very strong, PM3 strong

Department of Pathology and Laboratory Medicine, Sinai Health System
Classification: Pathogenic for Ehlers-Danlos syndrome, kyphoscoliotic type, 2. Last evaluated: 2023-08-01. Review status: criteria provided, single submitter. Criteria: ACMG Guidelines, 2015. Collection method: research. Allele origin: germline.

Molecular Genetic Pathology Unit, University Of Rochester Medical Center
Classification: Pathogenic for Ehlers-Danlos syndrome, kyphoscoliotic type, 2. Last evaluated: 2023-05-16. Review status: criteria provided, single submitter. Criteria: ACMG Guidelines, 2015. Collection method: clinical testing. Allele origin: germline. Inheritance: Autosomal recessive inheritance. Affected: yes. Observed: 1 homozygote.
Comment: This frameshift variant causes a premature termination codon and is predicted to result in loss-of-function. This variant is a known pathogenic variant that has been reported multiple times in patients with kEDS, as either homozygous or compound heterozygous. This variant has been submitted to ClinVar as pathogenic over twenty times.

Revvity Omics, Revvity
Classification: Pathogenic for Ehlers-Danlos syndrome, kyphoscoliotic type, 2. Last evaluated: 2022-04-30. Review status: criteria provided, single submitter. Criteria: ACMG Guidelines, 2015. Collection method: clinical testing. Allele origin: germline.

GeneDx
Classification: Pathogenic. Last evaluated: 2022-04-11. Review status: criteria provided, single submitter. Criteria: GeneDx Variant Classification Process June 2021. Collection method: clinical testing. Allele origin: germline. Affected: yes.
Comment: Frameshift variant predicted to result in protein truncation or nonsense mediated decay in a gene for which loss of function is a known mechanism of disease; This variant is associated with the following publications: (PMID: 24677762, 22265013, 33879512, 27149304, 27905128, 30561154, 31063316, 31132235, 31980526, 31589614, 33587123, 34426522, 34504686, 26582918, 28617417, 27535533)

Fulgent Genetics
Classification: Pathogenic for Ehlers-Danlos syndrome, kyphoscoliotic type, 2. Last evaluated: 2021-07-22. Review status: criteria provided, single submitter. Criteria: ACMG Guidelines, 2015. Collection method: clinical testing. Allele origin: unknown.

Greenwood Genetic Center Diagnostic Laboratories, Greenwood Genetic Center
Classification: Pathogenic. Last evaluated: 2021-03-03. Review status: criteria provided, single submitter. Criteria: ACMG Guidelines, 2015. Collection method: clinical testing. Allele origin: germline. Affected: yes.
Comment: PVS1, PM2, PM3

Institute of Medical Genetics and Applied Genomics, University Hospital Tübingen
Classification: Pathogenic. Last evaluated: 2020-10-23. Review status: criteria provided, single submitter. Criteria: ACMG Guidelines, 2015. Collection method: clinical testing. Allele origin: germline. Inheritance: Autosomal recessive inheritance. Affected: yes.

AiLife Diagnostics
Classification: Pathogenic. Last evaluated: 2020-07-20. Review status: criteria provided, single submitter. Criteria: ACMG Guidelines, 2015. Collection method: clinical testing. Allele origin: germline. Affected: yes. Observed: 1 variant allele.

Centre for Mendelian Genomics, University Medical Centre Ljubljana
Classification: Likely pathogenic for Ehlers-Danlos syndrome, kyphoscoliotic type, 2. Last evaluated: 2020-01-20. Review status: criteria provided, single submitter. Criteria: ACMG Guidelines, 2015. Collection method: clinical testing. Allele origin: unknown. Affected: yes.
Comment: This variant was classified as: Likely pathogenic. The following ACMG criteria were applied in classifying this variant: PS1,PM2. This variant was detected in homozygous state.

Athena Diagnostics
Classification: Pathogenic. Last evaluated: 2019-12-27. Review status: criteria provided, single submitter. Criteria: Athena Diagnostics Criteria. Collection method: clinical testing. Allele origin: unknown.
Comment: This variant is expected to result in the loss of a functional protein. The frequency of this variant in the general population is consistent with pathogenicity. This variant has been identified in multiple individuals with clinical features associated with this gene (PMID: 30561154, 22265013, 28617417, 27905128).This observation is not an independent occurrence and has been identified in the same individual by RCIGM, the other laboratory participating in the GEMINI study.

Institute of Human Genetics, University of Leipzig Medical Center
Classification: Pathogenic for Ehlers-Danlos syndrome, kyphoscoliotic type, 2. Last evaluated: 2019-07-10. Review status: criteria provided, single submitter. Criteria: ACMG Guidelines, 2015. Collection method: clinical testing. Allele origin: germline. Affected: yes. Observed: 1 variant allele.

Baylor Genetics
Classification: Pathogenic for Ehlers-Danlos syndrome, kyphoscoliotic type, 2. Last evaluated: 2019-03-26. Review status: criteria provided, single submitter. Criteria: ACMG Guidelines, 2015. Collection method: clinical testing. Allele origin: paternal. Affected: yes.
Comment: This variant was determined to be pathogenic according to ACMG Guidelines, 2015 [PMID:25741868]. This variant has been previously reported in multiple affected families as disease-causing [PMID 22265013, 27905128, 28617417, 24677762]

Eurofins Ntd Llc (ga)
Classification: Likely pathogenic. Last evaluated: 2017-01-09. Review status: criteria provided, single submitter. Criteria: EGL Classification Definitions 2015. Collection method: clinical testing. Allele origin: germline. Observed: 1 variant allele, 1 heterozygote.

Equipe Genetique des Anomalies du Developpement, Université de Bourgogne
Classification: Pathogenic for Ehlers-Danlos syndrome, kyphoscoliotic type, 2. Review status: criteria provided, single submitter. Criteria: ACMG Guidelines, 2015. Collection method: clinical testing. Allele origin: biparental. Inheritance: Autosomal recessive inheritance. Affected: yes.

Solve-RD Consortium
Classification: Likely pathogenic for Ehlers-Danlos syndrome, kyphoscoliotic type, 2. Last evaluated: 2022-06-01. Review status: no assertion criteria provided. Collection method: provider interpretation. Allele origin: inherited. Affected: yes. Not counted in ClinVar's aggregate classification.
Comment: Variant confirmed as disease-causing by referring clinical team

Variant identified during reanalysis of unsolved cases by the Solve-RD project. The Solve-RD project has received funding from the European Union’s Horizon 2020 research and innovation programme under grant agreement No 779257.

Research Centre for Medical Genetics, Federal State Budgetary Scientific Institution
Classification: Pathogenic for Ehlers-Danlos syndrome, kyphoscoliotic type, 2. Last evaluated: 2020-10-23. Review status: no assertion criteria provided. Collection method: clinical testing. Allele origin: germline. Inheritance: Autosomal recessive inheritance. Observed: 5 variant alleles, 5 homozygotes. Not counted in ClinVar's aggregate classification.

Laboratory of Molecular Genetics (Pr. Bezieau's lab), CHU de Nantes
Classification: Pathogenic. Last evaluated: 2016-06-01. Review status: no assertion criteria provided. Collection method: clinical testing. Allele origin: germline. Affected: yes. Not counted in ClinVar's aggregate classification.

Centre for Mendelian Genomics, University Medical Centre Ljubljana
Classification: Pathogenic for Muscular dystrophy; Joint hypermobility; Hypotonia; Thoracolumbar scoliosis; Pes valgus. Last evaluated: 2016-02-10. Review status: no assertion criteria provided. Collection method: clinical testing. Allele origin: unknown. Affected: yes. Not counted in ClinVar's aggregate classification.

OMIM
Classification: Pathogenic for EHLERS-DANLOS SYNDROME, KYPHOSCOLIOTIC TYPE, 2. Last evaluated: 2012-02-10. Review status: no assertion criteria provided. Collection method: literature only. Allele origin: germline. Not counted in ClinVar's aggregate classification.

Clinical Genetics DNA and cytogenetics Diagnostics Lab, Erasmus MC, Erasmus Medical Center
Classification: Pathogenic. Review status: no assertion criteria provided. Collection method: clinical testing. Allele origin: germline. Affected: yes. Study: VKGL Data-share Consensus. Not counted in ClinVar's aggregate classification.

GeneReviews
No classification provided. Condition: Ehlers-Danlos syndrome, kyphoscoliotic type, 2. Review status: no classification provided. Collection method: literature only. Allele origin: germline. Not counted in ClinVar's aggregate classification.

Genome Diagnostics Laboratory, Amsterdam University Medical Center
Classification: Pathogenic. Review status: no assertion criteria provided. Collection method: clinical testing. Allele origin: germline. Affected: yes. Study: VKGL Data-share Consensus. Not counted in ClinVar's aggregate classification.

Literature cited by the submitters: PubMed 22265013 (cited by 11 submitters); PubMed 24677762 (cited by 6 submitters); PubMed 27149304 (cited by 6 submitters); PubMed 27905128 (cited by 4 submitters); PubMed 28617417 (cited by 7 submitters); PubMed 30561154 (cited by 5 submitters); PubMed 31063316 (cited by Mayo Clinic Laboratories, Mayo Clinic and AiLife Diagnostics); PubMed 33587123 (cited by Mayo Clinic Laboratories, Mayo Clinic); PubMed 34504686 (cited by Mayo Clinic Laboratories, Mayo Clinic); PubMed 36054293 (cited by Mayo Clinic Laboratories, Mayo Clinic and Women's Health and Genetics/Laboratory Corporation of America, LabCorp); PubMed 36553464 (cited by Mayo Clinic Laboratories, Mayo Clinic); PubMed 31132235 (cited by Equipe Genetique des Anomalies du Developpement, Université de Bourgogne and GeneReviews); PubMed 39825153 (cited by Solve-RD Consortium).